The following is an entry in ClinVar:

NM_020987.5(ANK3):c.2615-3C>T

Gene: ANK3 (ankyrin 3; minus strand). Cytogenetic location: 10q21.2.
Variant type: single nucleotide variant.
Coding change: c.2615-3C>T on transcript NM_020987.5 (MANE Select); 3 bases into the intron before coding-DNA position 2615, C replaced by T.
Molecular consequence: intron variant.
Genome position (GRCh38, 1-based): chr10:60,139,090, G>A on the plus strand (C>T on the coding strand, the complement: ANK3 is on the minus strand). VCF-style: chr10-60139090-G-A. GRCh37 (hg19) VCF-style: chr10-61898848-G-A.
Other names: c.2597-3C>T (NM_001204403.2); c.2618-3C>T (NM_001204404.2); c.2615-3C>T (NM_001320874.2); c.17-3C>T (NM_001149.4).
Identifiers: ClinVar variation 1397883 (VCV001397883.6), dbSNP rs2132207888, ClinGen allele CA2573145238.

ClinVar aggregate classification (germline): Uncertain significance (1 of 4 stars; one submission).

Submission:

Labcorp Genetics (formerly Invitae), Labcorp
Classification: Uncertain significance. Last evaluated: 2021-12-03. Review status: criteria provided, single submitter. Criteria: Invitae Variant Classification Sherloc (09022015). Collection method: clinical testing. Allele origin: germline.
Comment: Variants that disrupt the consensus splice site are a relatively common cause of aberrant splicing (PMID: 17576681, 9536098). Experimental studies and prediction algorithms are not available or were not evaluated, and the effect of this variant on mRNA splicing is currently unknown. This variant has not been reported in the literature in individuals affected with ANK3-related conditions. This variant is not present in population databases (gnomAD no frequency). This sequence change falls in intron 23 of the ANK3 gene. It does not directly change the encoded amino acid sequence of the ANK3 protein. It affects a nucleotide within the consensus splice site. In summary, the available evidence is currently insufficient to determine the role of this variant in disease. Therefore, it has been classified as a Variant of Uncertain Significance.

Literature cited by the submitters: PubMed 17576681; PubMed 9536098.